The following is an entry in ClinVar:

NM_005055.5(RAPSN):c.193-15C>A

Gene: RAPSN (receptor associated protein of the synapse; minus strand). Cytogenetic location: 11p11.2.
Variant type: single nucleotide variant.
Coding change: c.193-15C>A on transcript NM_005055.5 (MANE Select); 15 bases into the intron before coding-DNA position 193, C replaced by A.
Molecular consequence: intron variant.
Genome position (GRCh38, 1-based): chr11:47,448,165, G>T on the plus strand (C>A on the coding strand, the complement: RAPSN is on the minus strand). VCF-style: chr11-47448165-G-T. GRCh37 (hg19) VCF-style: chr11-47469717-G-T.
Other names: IVS1AS, C-A, -15; c.193-15C>A (NM_032645.5).
Identifiers: ClinVar variation 8053 (VCV000008053.6), dbSNP rs45547231, ClinGen allele CA212887.

ClinVar aggregate classification (germline): Conflicting classifications of pathogenicity. Review status: criteria provided, conflicting classifications (1 of 4 stars). 4 submissions from 4 submitters: Likely pathogenic (2); Uncertain significance (1). 1 of the submissions does not count toward it. Last evaluated 2024-08-08.

Conditions:
Fetal akinesia deformation sequence 1 (FADS1). Also called: Fetal akinesia sequence; Pena-Shokeir syndrome type I. Identifiers: Orphanet 994, MedGen C1276035, MONDO:0100101, OMIM 208150, HP:0001989.
Congenital myasthenic syndrome 11. Also called: MYASTHENIC SYNDROME, CONGENITAL, Ie; Myasthenic syndrome, congenital, 11, associated with acetylcholine receptor deficiency. Identifiers: Orphanet 590, MedGen C4225367, MONDO:0014588, OMIM 616326.
Congenital myasthenic syndrome (CMS). Also called: Congenital Myasthenic Syndromes. Identifiers: Orphanet 590, MedGen C0751882, MeSH D020294, MONDO:0018940.

gnomAD v4.1: 1 of 1,605,500 alleles (0.000062%); highest among the groups gnomAD compares: Non-Finnish European, 0.000085%; no homozygotes.

Submissions (4):

Women's Health and Genetics/Laboratory Corporation of America, LabCorp
Classification: Likely pathogenic for Congenital myasthenic syndrome. Last evaluated: 2024-08-08. Review status: criteria provided, single submitter. Criteria: LabCorp Variant Classification Summary - May 2015. Collection method: clinical testing. Allele origin: germline.
Comment: Variant summary: RAPSN c.193-15C>A alters a non-conserved nucleotide located at a position not widely known to affect splicing. Several computational tools predict a significant impact on normal splicing: Two predict the variant weakens a 3' acceptor site. Three predict the variant creates a 3' acceptor site. At least one publication reports experimental evidence that this variant affects mRNA splicing (Miller_2006). The variant allele was found at a frequency of 4.1e-06 in 241002 control chromosomes. c.193-15C>A has been reported in the literature in individuals affected with Congenital Myasthenic Syndrome (Krenn_2023, Miller_2006). These data indicate that the variant may be associated with disease. The following publications have been ascertained in the context of this evaluation (PMID: 36308527, 16931511). ClinVar contains an entry for this variant (Variation ID: 8053). Based on the evidence outlined above, the variant was classified as likely pathogenic.

Natera, Inc.
Classification: Likely pathogenic for Congenital myasthenic syndrome. Last evaluated: 2024-08-01. Review status: criteria provided, single submitter. Criteria: Natera Variant Classification Schema (03/2026). Collection method: clinical testing. Allele origin: germline.
Comment: The c.193-15C>A variant in RAPSN is an intronic variant located outside the canonical splice sites. This variant is rare in the general population with a frequency below the threshold expected for the associated phenotype(s). This variant has been observed in one or more individuals affected with the associated recessive disease, as either homozygous or compound heterozygous with a second variant (PMID: 16931511, 36308527). Functional studies show that this variant may disrupt protein function (PMID: 16931511). Given the available evidence, this variant is classified as Likely Pathogenic.

Labcorp Genetics (formerly Invitae), Labcorp
Classification: Uncertain significance for Congenital myasthenic syndrome 11; Fetal akinesia deformation sequence 1. Last evaluated: 2021-09-02. Review status: criteria provided, single submitter. Criteria: Invitae Variant Classification Sherloc (09022015). Collection method: clinical testing. Allele origin: germline.
Comment: This sequence change falls in intron 1 of the RAPSN gene. It does not directly change the encoded amino acid sequence of the RAPSN protein. This variant is not present in population databases (ExAC no frequency). This variant has been observed in individual(s) with congenital myasthenic syndrome (PMID: 16931511). This variant is also known as IVS1-15C>A. ClinVar contains an entry for this variant (Variation ID: 8053). Studies have shown that this variant alters mRNA splicing and is expected to lead to the loss of protein expression (PMID: 16931511). In summary, the available evidence is currently insufficient to determine the role of this variant in disease. Therefore, it has been classified as a Variant of Uncertain Significance.

OMIM
Classification: Pathogenic for MYASTHENIC SYNDROME, CONGENITAL, 11, ASSOCIATED WITH ACETYLCHOLINE RECEPTOR DEFICIENCY. Last evaluated: 2006-10-10. Review status: no assertion criteria provided. Collection method: literature only. Allele origin: germline. Not counted in ClinVar's aggregate classification.

Literature cited by the submitters: PubMed 36308527 (cited by Women's Health and Genetics/Laboratory Corporation of America, LabCorp and Natera, Inc.); PubMed 16931511 (cited by 4 submitters).